The following is an entry in ClinVar:

NM_001375567.1(FOCAD):c.4135C>T (p.Pro1379Ser)

Gene: FOCAD (focadhesin; plus strand). Cytogenetic location: 9p21.3.
Variant type: single nucleotide variant.
Coding change: c.4135C>T on transcript NM_001375567.1 (MANE Select); coding-DNA position 4135, C replaced by T.
Protein change: p.Pro1379Ser; replaces proline 1379 with serine.
Molecular consequence: missense variant.
Genome position (GRCh38, 1-based): chr9:20,976,422, C>T. VCF-style: chr9-20976422-C-T. GRCh37 (hg19) VCF-style: chr9-20976421-C-T.
Other names: c.4030C>T, p.Pro1344Ser (NM_001375568.1, NM_001375570.1); c.4135C>T, p.Pro1379Ser (NM_017794.5); short protein forms P1344S, P1379S.
Identifiers: ClinVar variation 738572 (VCV000738572.9), dbSNP rs116541636, ClinGen allele CA5007851.

ClinVar aggregate classification (germline): Likely benign. Review status: criteria provided, multiple submitters, no conflicts (2 of 4 stars). 3 submissions from 3 submitters: Likely benign (2). 1 of the submissions does not count toward it. Last evaluated 2026-01-28.

Conditions:
FOCAD-related disorder. Also called: FOCAD-related condition.

Allele frequency attached by ClinVar (database versions not stated): ExAC 0.00055; 1000 Genomes Project 30x 0.00141; 1000 Genomes Project 0.00180; gnomAD 0.00209 and 0.00222; TOPMed 0.00221; ESP Exome Variant Server 0.00231.
gnomAD v4.1: 636 of 1,612,746 alleles (0.039%); highest among the groups gnomAD compares: African/African-American, 0.78%; 4 homozygotes.

Submissions (3):

Labcorp Genetics (formerly Invitae), Labcorp
Classification: Likely benign. Last evaluated: 2026-01-28. Review status: criteria provided, single submitter. Criteria: Invitae Variant Classification Sherloc (09022015). Collection method: clinical testing. Allele origin: germline.

Breakthrough Genomics
Classification: Likely benign. Review status: criteria provided, single submitter. Criteria: ACMG Guidelines, 2015. Collection method: not provided. Allele origin: germline. Inheritance: Autosomal recessive inheritance. Affected: yes.

PreventionGenetics, part of Exact Sciences
Classification: Likely benign for FOCAD-related condition. Last evaluated: 2022-05-06. Review status: no assertion criteria provided. Collection method: clinical testing. Allele origin: germline. Not counted in ClinVar's aggregate classification.
Comment: This variant is classified as likely benign based on ACMG/AMP sequence variant interpretation guidelines (Richards et al. 2015 PMID: 25741868, with internal and published modifications).